The following is an entry in ClinVar:

NM_000094.4(COL7A1):c.3889G>T (p.Glu1297Ter)

Gene: COL7A1 (collagen type VII alpha 1 chain; minus strand). Cytogenetic location: 3p21.31.
Variant type: single nucleotide variant.
Coding change: c.3889G>T on transcript NM_000094.4 (MANE Select); coding-DNA position 3889, G replaced by T.
Protein change: p.Glu1297Ter; replaces glutamic acid 1297 with a stop codon.
Molecular consequence: nonsense.
Genome position (GRCh38, 1-based): chr3:48,585,562, C>A on the plus strand (G>T on the coding strand, the complement: COL7A1 is on the minus strand). VCF-style: chr3-48585562-C-A. GRCh37 (hg19) VCF-style: chr3-48622995-C-A.
Other names: short protein forms E1297*.
Identifiers: ClinVar variation 2005654 (VCV002005654.4), dbSNP rs149881350, ClinGen allele CA352700536.

ClinVar aggregate classification (germline): Pathogenic (1 of 4 stars; one submission).

Submission:

Labcorp Genetics (formerly Invitae), Labcorp
Classification: Pathogenic. Last evaluated: 2022-06-13. Review status: criteria provided, single submitter. Criteria: Invitae Variant Classification Sherloc (09022015). Collection method: clinical testing. Allele origin: germline.
Comment: For these reasons, this variant has been classified as Pathogenic. This variant has not been reported in the literature in individuals affected with COL7A1-related conditions. This variant is not present in population databases (gnomAD no frequency). This sequence change creates a premature translational stop signal (p.Glu1297*) in the COL7A1 gene. It is expected to result in an absent or disrupted protein product. Loss-of-function variants in COL7A1 are known to be pathogenic (PMID: 16971478).

Literature cited by the submitters: PubMed 16971478.